The following is an entry in ClinVar:

NM_001286.5(CLCN6):c.956G>T (p.Cys319Phe)

Gene: CLCN6 (Cl-/H+ antiporter 6; plus strand). Cytogenetic location: 1p36.22.
Variant type: single nucleotide variant.
Coding change: c.956G>T on transcript NM_001286.5 (MANE Select); coding-DNA position 956, G replaced by T.
Protein change: p.Cys319Phe; replaces cysteine 319 with phenylalanine.
Molecular consequence: missense variant. On other transcripts: non-coding transcript variant (1).
Genome position (GRCh38, 1-based): chr1:11,828,459, G>T. VCF-style: chr1-11828459-G-T. GRCh37 (hg19) VCF-style: chr1-11888516-G-T.
Other names: c.890G>T, p.Cys297Phe (NM_001256959.2); short protein forms C297F, C319F.
Identifiers: ClinVar variation 4881788 (VCV004881788.2).

ClinVar aggregate classification (germline): Uncertain significance (1 of 4 stars; one submission).

Submission:

Dasa
Classification: Uncertain significance. Last evaluated: 2026-04-20. Review status: criteria provided, single submitter. Criteria: DASA Assertion Criteria. Collection method: clinical testing. Allele origin: germline.
Comment: NM_001286.5(CLCN6):c.956G>T (p.Cys319Phe) is a missense variant that results in the substitution of cysteine with phenylalanine. This variant is absent from population databases. Computational prediction algorithms are consistent with a deleterious effect. The currently available literature and clinical evidence are not sufficient to establish a definitive association between this variant and the reported condition. Therefore, this variant is classified as a variant of uncertain significance.